The following is an entry in ClinVar:

ClinVar aggregate classification (germline): Pathogenic (1 of 4 stars; one submission).

Submission:

Labcorp Genetics (formerly Invitae), Labcorp
Classification: Pathogenic. Last evaluated: 2020-11-05. Review status: criteria provided, single submitter. Criteria: Invitae Variant Classification Sherloc (09022015). Collection method: clinical testing. Allele origin: germline.
Comment: This sequence change creates a premature translational stop signal (p.Glu996Lysfs*20) in the CEP250 gene. It is expected to result in an absent or disrupted protein product. Loss-of-function variants in CEP250 are known to be pathogenic (PMID: 24780881, 29718797). This variant is not present in population databases (ExAC no frequency). This variant has not been reported in the literature in individuals with CEP250-related conditions. For these reasons, this variant has been classified as Pathogenic.

Literature cited by the submitters: PubMed 24780881; PubMed 29718797.

NM_007186.6(CEP250):c.2986del (p.Glu996fs)

Gene: CEP250 (centrosomal protein 250; plus strand). Cytogenetic location: 20q11.22.
Variant type: Deletion.
Coding change: c.2986del on transcript NM_007186.6 (MANE Select); coding-DNA position 2986, one base deleted (G; older notation c.2986delG).
Protein change: p.Glu996fs; shifts the reading frame from glutamic acid 996.
Molecular consequence: frameshift variant.
Genome position (GRCh38, 1-based): chr20:35,493,525, G deleted. VCF-style (leftmost placement, unchanged base first): chr20-35493524-AG-A. GRCh37 (hg19) VCF-style: chr20-34081351-AG-A.
Other names: c.1090del, p.Glu364fs (NM_001318219.1); short protein forms E364fs, E996fs.
Identifiers: ClinVar variation 1408071 (VCV001408071.6), dbSNP rs2147070761, ClinGen allele CA2573157020.
Genomic context (GRCh38, chr20:35,493,524, plus strand): 5'-GGCTCAACGGGAGCTGAAGGAGGCAGCCCGGCAGCACAGAGATGACCTTGCTGCCCTCCA[AG>A]AAGAGAGCAGCTCCCTGCTGCAGGATAAGATGGACCTGCAGAAGCAGGTCCCCTCCTCCT-3'